The following is an entry in ClinVar:

ClinVar aggregate classification (germline): Likely pathogenic (1 of 4 stars; one submission).

Conditions:
Cryptosporidiosis-chronic cholangitis-liver disease syndrome. Also called: Immunodeficiency type 56; IL21R immunodeficiency. Identifiers: Orphanet 357329, MedGen C3554687, MONDO:0014082, OMIM 615207.

Submission:

Labcorp Genetics (formerly Invitae), Labcorp
Classification: Likely pathogenic for Cryptosporidiosis-chronic cholangitis-liver disease syndrome. Last evaluated: 2025-03-31. Review status: criteria provided, single submitter. Criteria: Invitae Variant Classification Sherloc (09022015). Collection method: clinical testing. Allele origin: germline.
Comment: This sequence change affects an acceptor splice site in intron 6 of the IL21R gene. It is expected to disrupt RNA splicing. Variants that disrupt the donor or acceptor splice site typically lead to a loss of protein function (PMID: 16199547), and loss-of-function variants in IL21R are known to be pathogenic (PMID: 23440042). This variant is not present in population databases (gnomAD no frequency). This variant has not been reported in the literature in individuals affected with IL21R-related conditions. ClinVar contains an entry for this variant (Variation ID: 1900828). Algorithms developed to predict the effect of sequence changes on RNA splicing suggest that this variant may disrupt the consensus splice site. In summary, the currently available evidence indicates that the variant is pathogenic, but additional data are needed to prove that conclusively. Therefore, this variant has been classified as Likely Pathogenic.

Literature cited by the submitters: PubMed 16199547; PubMed 23440042.

NM_181078.3(IL21R):c.686-2A>G

Gene: IL21R (interleukin 21 receptor; plus strand). Cytogenetic location: 16p12.1.
Variant type: single nucleotide variant.
Coding change: c.686-2A>G on transcript NM_181078.3 (MANE Select); the canonical splice acceptor site of the intron before coding-DNA position 686, A replaced by G.
Molecular consequence: splice acceptor variant.
Genome position (GRCh38, 1-based): chr16:27,445,175, A>G. VCF-style: chr16-27445175-A-G. GRCh37 (hg19) VCF-style: chr16-27456496-A-G.
Other names: c.752-2A>G (NM_181079.5); c.686-2A>G (NM_021798.4).
Identifiers: ClinVar variation 1900828 (VCV001900828.5), dbSNP rs2543384162, ClinGen allele CA395304079.